The following is an entry in ClinVar:

NM_001012339.3(DNAJC21):c.518G>A (p.Arg173Gln)

Gene: DNAJC21 (DnaJ heat shock protein family (Hsp40) member C21; plus strand). Cytogenetic location: 5p13.2.
Variant type: single nucleotide variant.
Coding change: c.518G>A on transcript NM_001012339.3 (MANE Select); coding-DNA position 518, G replaced by A.
Protein change: p.Arg173Gln; replaces arginine 173 with glutamine.
Molecular consequence: missense variant.
Genome position (GRCh38, 1-based): chr5:34,937,405, G>A. VCF-style: chr5-34937405-G-A. GRCh37 (hg19) VCF-style: chr5-34937510-G-A.
Other names: c.518G>A, p.Arg173Gln (NM_001348420.2, NM_194283.4); short protein forms R173Q.
Identifiers: ClinVar variation 2062882 (VCV002062882.3), dbSNP rs368417081, ClinGen allele CA3228484.

ClinVar aggregate classification (germline): Uncertain significance. Review status: criteria provided, multiple submitters, no conflicts (2 of 4 stars). 2 submissions from 2 submitters: Uncertain significance (2). Last evaluated 2024-12-16.

Allele frequency attached by ClinVar (database versions not stated): gnomAD 0.00004; TOPMed 0.00004; ESP Exome Variant Server 0.00008; gnomAD exomes 0.00009; ExAC 0.00012; 1000 Genomes Project 0.00020; 1000 Genomes Project 30x 0.00031.
gnomAD v4.1: 135 of 1,614,108 alleles (0.0084%); highest among the groups gnomAD compares: Non-Finnish European, 0.01%; no homozygotes.

Submissions (2):

Labcorp Genetics (formerly Invitae), Labcorp
Classification: Uncertain significance. Last evaluated: 2024-12-16. Review status: criteria provided, single submitter. Criteria: Invitae Variant Classification Sherloc (09022015). Collection method: clinical testing. Allele origin: germline.
Comment: This sequence change replaces arginine, which is basic and polar, with glutamine, which is neutral and polar, at codon 173 of the DNAJC21 protein (p.Arg173Gln). This variant is present in population databases (rs368417081, gnomAD 0.01%). This variant has not been reported in the literature in individuals affected with DNAJC21-related conditions. ClinVar contains an entry for this variant (Variation ID: 2062882). An algorithm developed to predict the effect of missense changes on protein structure and function (PolyPhen-2) suggests that this variant¬†is likely to be tolerated. In summary, the available evidence is currently insufficient to determine the role of this variant in disease. Therefore, it has been classified as a Variant of Uncertain Significance.

Blueprint Genetics
Classification: Uncertain significance. Last evaluated: 2022-08-02. Review status: criteria provided, single submitter. Criteria: ACMG Guidelines, 2015. Collection method: clinical testing. Allele origin: germline.